The following is an entry in ClinVar:

NM_003242.6(TGFBR2):c.547A>G (p.Ile183Val)

Gene: TGFBR2 (transforming growth factor beta receptor 2; plus strand). Cytogenetic location: 3p24.1.
Variant type: single nucleotide variant.
Coding change: c.547A>G on transcript NM_003242.6 (MANE Select); coding-DNA position 547, A replaced by G.
Protein change: p.Ile183Val; replaces isoleucine 183 with valine.
Molecular consequence: missense variant. On other transcripts: intron variant (1).
Genome position (GRCh38, 1-based): chr3:30,671,730, A>G. VCF-style: chr3-30671730-A-G. GRCh37 (hg19) VCF-style: chr3-30713222-A-G.
Other names: c.622A>G, p.Ile208Val (NM_001024847.3); c.730A>G, p.Ile244Val (NM_001407126.1); c.655A>G, p.Ile219Val (NM_001407127.1); c.574A>G, p.Ile192Val (NM_001407128.1); c.550A>G, p.Ile184Val (NM_001407129.1); c.547A>G, p.Ile183Val (NM_001407130.1); c.442A>G, p.Ile148Val (NM_001407132.1, NM_001407133.1, NM_001407134.1 and 2 more transcripts); c.262A>G, p.Ile88Val (NM_001407137.1); and 2 more; short protein forms I148V, I219V, I88V, I184V, I192V, I244V, I208V, I183V.
Identifiers: ClinVar variation 2774570 (VCV002774570.3), dbSNP rs2470559779, ClinGen allele CA351807338.

ClinVar aggregate classification (germline): Uncertain significance. Review status: criteria provided, multiple submitters, no conflicts (2 of 4 stars). 2 submissions from 2 submitters: Uncertain significance (2). Last evaluated 2024-06-17.

Conditions:
Familial thoracic aortic aneurysm and aortic dissection (TAAD). Also called: Thoracic aortic aneurysms and dissections. Identifiers: Orphanet 91387, MedGen C4707243, MONDO:0019625.
Loeys-Dietz syndrome 2 (LDS2). Also called: TGFBR2-Related Loeys-Dietz Syndrome; Marfan syndrome, type 2 (formerly); Marfan Syndrome type 2; Marfan like connective tissue disorder; MFS 2; AORTIC ANEURYSM, FAMILIAL THORACIC 3. Identifiers: Orphanet 284973, Orphanet 558, MedGen C2674574, MONDO:0012427, OMIM 610168.

Submissions (2):

All of Us Research Program, National Institutes of Health
Classification: Uncertain significance for Loeys-Dietz syndrome 2. Last evaluated: 2024-06-17. Review status: criteria provided, single submitter. Criteria: ACMG Guidelines, 2015. Collection method: clinical testing. Allele origin: germline. Inheritance: Autosomal dominant inheritance. Observed: 1 variant allele, 1 heterozygote.
Comment: This missense variant replaces isoleucine with valine at codon 183 of the TGFBR2 protein. Computational prediction suggests that this variant may not impact protein structure and function (internally defined REVEL score threshold <= 0.5, PMID: 27666373). To our knowledge, functional studies have not been reported for this variant. This variant has not been reported in individuals affected with TGFBR2-related disorders in the literature. This variant has not been identified in the general population by the Genome Aggregation Database (gnomAD). The available evidence is insufficient to determine the role of this variant in disease conclusively. Therefore, this variant is classified as a Variant of Uncertain Significance.

This study involves interpretation of variants in research participants for the purpose of population health screening. Participant phenotype was not available at the time of variant classification. Additional details can be found in publication PMID: 35346344, PMCID: PMC8962531

Color Diagnostics, LLC DBA Color Health
Classification: Uncertain significance for Familial thoracic aortic aneurysm and aortic dissection. Last evaluated: 2024-06-04. Review status: criteria provided, single submitter. Criteria: ACMG Guidelines, 2015. Collection method: clinical testing. Allele origin: germline.
Comment: This missense variant replaces isoleucine with valine at codon 183 of the TGFBR2 protein. Computational prediction suggests that this variant may not impact protein structure and function (internally defined REVEL score threshold <= 0.5, PMID: 27666373). To our knowledge, functional studies have not been reported for this variant. This variant has not been reported in individuals affected with TGFBR2-related disorders in the literature. This variant has not been identified in the general population by the Genome Aggregation Database (gnomAD). The available evidence is insufficient to determine the role of this variant in disease conclusively. Therefore, this variant is classified as a Variant of Uncertain Significance.